The following is an entry in ClinVar:

ClinVar aggregate classification (germline): Uncertain significance. Review status: criteria provided, multiple submitters, no conflicts (2 of 4 stars). 3 submissions from 3 submitters: Uncertain significance (2). 1 of the submissions does not count toward it. Last evaluated 2021-09-24.

Conditions:
Citrullinemia, type II, adult-onset (CDAA). Also called: CITRIN DEFICIENCY, ADOLESCENT OR ADULT ONSET. Identifiers: Orphanet 247585, MedGen CN295299, MONDO:0011326, OMIM 603471.
Neonatal intrahepatic cholestasis due to citrin deficiency (CDNI). Also called: Neonatal-onset citrullinemia type II; Neonatal-onset citrullinemia type 2; Neonatal Intrahepatic Cholestasis Caused by Citrin Deficiency (NICCD); CITRIN DEFICIENCY, NEONATAL OR INFANTILE ONSET. Identifiers: Orphanet 247598, MedGen C1853942, MONDO:0011601, OMIM 605814.
Citrullinemia. Identifiers: Orphanet 187, MedGen C0175683, MONDO:0015991.

Allele frequency attached by ClinVar (database versions not stated): gnomAD 0.00002; TOPMed 0.00002.
gnomAD v4.1: 74 of 1,613,992 alleles (0.0046%); highest among the groups gnomAD compares: Non-Finnish European, 0.006%; no homozygotes.

Submissions (3):

Fulgent Genetics
Classification: Uncertain significance for Citrullinemia, type II, adult-onset; Neonatal intrahepatic cholestasis due to citrin deficiency. Last evaluated: 2021-09-24. Review status: criteria provided, single submitter. Criteria: ACMG Guidelines, 2015. Collection method: clinical testing. Allele origin: unknown.

GeneDx
Classification: Uncertain significance. Last evaluated: 2020-01-20. Review status: criteria provided, single submitter. Criteria: GeneDx Variant Classification Process June 2021. Collection method: clinical testing. Allele origin: germline. Affected: yes.
Comment: Not observed in large population cohorts (Lek et al., 2016); In silico analysis, which includes protein predictors and evolutionary conservation, supports a deleterious effect; Has not been previously published as pathogenic or benign to our knowledge

Natera, Inc.
Classification: Uncertain significance for Citrullinemia. Last evaluated: 2020-02-21. Review status: no assertion criteria provided. Collection method: clinical testing. Allele origin: germline. Not counted in ClinVar's aggregate classification.

NM_014251.3(SLC25A13):c.1157G>C (p.Gly386Ala)

Gene: SLC25A13 (solute carrier family 25 member 13; minus strand). Cytogenetic location: 7q21.3.
Variant type: single nucleotide variant.
Coding change: c.1157G>C on transcript NM_014251.3 (MANE Select); coding-DNA position 1157, G replaced by C.
Protein change: p.Gly386Ala; replaces glycine 386 with alanine.
Molecular consequence: missense variant. On other transcripts: non-coding transcript variant (1).
Genome position (GRCh38, 1-based): chr7:96,184,297, C>G on the plus strand (G>C on the coding strand, the complement: SLC25A13 is on the minus strand). VCF-style: chr7-96184297-C-G. GRCh37 (hg19) VCF-style: chr7-95813609-C-G.
Other names: c.1160G>C, p.Gly387Ala (NM_001160210.2); short protein forms G386A, G387A.
Identifiers: ClinVar variation 1207220 (VCV001207220.5), dbSNP rs776461118, ClinGen allele CA368260087.